The following is an entry in ClinVar:

ClinVar aggregate classification (germline): Uncertain significance (1 of 4 stars; one submission).

Allele frequency attached by ClinVar (database versions not stated): gnomAD exomes below 0.00001.
gnomAD v4.1: 1 of 1,614,190 alleles (0.000062%); highest among the groups gnomAD compares: Non-Finnish European, 0.000085%; no homozygotes.

Submission:

Labcorp Genetics (formerly Invitae), Labcorp
Classification: Uncertain significance. Last evaluated: 2024-08-12. Review status: criteria provided, single submitter. Criteria: Invitae Variant Classification Sherloc (09022015). Collection method: clinical testing. Allele origin: germline.
Comment: This sequence change replaces cysteine, which is neutral and slightly polar, with glycine, which is neutral and non-polar, at codon 46 of the CA4 protein (p.Cys46Gly). This variant is not present in population databases (gnomAD no frequency). This variant has not been reported in the literature in individuals affected with CA4-related conditions. ClinVar contains an entry for this variant (Variation ID: 1465031). Advanced modeling of protein sequence and biophysical properties (such as structural, functional, and spatial information, amino acid conservation, physicochemical variation, residue mobility, and thermodynamic stability) performed at Invitae indicates that this missense variant is expected to disrupt CA4 protein function with a positive predictive value of 80%. In summary, the available evidence is currently insufficient to determine the role of this variant in disease. Therefore, it has been classified as a Variant of Uncertain Significance.

NM_000717.5(CA4):c.136T>G (p.Cys46Gly)

Gene: CA4 (carbonic anhydrase 4; plus strand). Cytogenetic location: 17q23.1.
Variant type: single nucleotide variant.
Coding change: c.136T>G on transcript NM_000717.5 (MANE Select); coding-DNA position 136, T replaced by G.
Protein change: p.Cys46Gly; replaces cysteine 46 with glycine.
Molecular consequence: missense variant. On other transcripts: non-coding transcript variant (1).
Genome position (GRCh38, 1-based): chr17:60,156,583, T>G. VCF-style: chr17-60156583-T-G. GRCh37 (hg19) VCF-style: chr17-58233944-T-G.
Other names: short protein forms C46G.
Identifiers: ClinVar variation 1465031 (VCV001465031.6), dbSNP rs2145269502, ClinGen allele CA400452903.
Genomic context (GRCh38, chr17:60,156,583, plus strand): 5'-GCACCCGACTCTCAGCCCACCTTCTCTCCCTGCTCAGTGCCAGTCAAGTGGGGTGGAAAC[T>G]GCCAGAAGGACCGCCAGTCCCCCATCAACATCGTCACCACCAAGGCAAAGGTGGACAAAA-3'
Protein context (NP_000708.1, residues 36-56): CLVPVKWGGN[Cys46Gly]QKDRQSPINI